The following is an entry in ClinVar:

NM_006939.4(SOS2):c.570A>T (p.Glu190Asp)

Gene: SOS2 (SOS Ras/Rho guanine nucleotide exchange factor 2; minus strand). Cytogenetic location: 14q21.3.
Variant type: single nucleotide variant.
Coding change: c.570A>T on transcript NM_006939.4 (MANE Select); coding-DNA position 570, A replaced by T.
Protein change: p.Glu190Asp; replaces glutamic acid 190 with aspartic acid.
Molecular consequence: missense variant.
Genome position (GRCh38, 1-based): chr14:50,188,641, T>A on the plus strand (A>T on the coding strand, the complement: SOS2 is on the minus strand). VCF-style: chr14-50188641-T-A. GRCh37 (hg19) VCF-style: chr14-50655359-T-A.
Other names: c.570A>T, p.Glu190Asp (NM_001411020.1); short protein forms E190D.
Identifiers: ClinVar variation 3233701 (VCV003233701.1), dbSNP rs778631157, ClinGen allele CA7177499.

ClinVar aggregate classification (germline): Uncertain significance (1 of 4 stars; one submission).

Allele frequency attached by ClinVar (database versions not stated): ExAC 0.00002.
gnomAD v4.1: 19 of 1,611,224 alleles (0.0012%); highest among the groups gnomAD compares: East Asian, 0.04%; no homozygotes.

Submission:

Women's Health and Genetics/Laboratory Corporation of America, LabCorp
Classification: Uncertain significance. Last evaluated: 2024-03-01. Review status: criteria provided, single submitter. Criteria: LabCorp Variant Classification Summary - May 2015. Collection method: clinical testing. Allele origin: germline.
Comment: Variant summary: SOS2 c.570A>T (p.Glu190Asp) results in a conservative amino acid change in the encoded protein sequence. Three of five in-silico tools predict a benign effect of the variant on protein function. The variant allele was found at a frequency of 1.6e-05 in 248786 control chromosomes. The available data on variant occurrences in the general population are insufficient to allow any conclusion about variant significance. To our knowledge, no occurrence of c.570A>T in individuals affected with Noonan Syndrome and no experimental evidence demonstrating its impact on protein function have been reported. No submitters have cited clinical-significance assessments for this variant to ClinVar. Based on the evidence outlined above, the variant was classified as VUS-possibly benign.